The following is an entry in ClinVar:

NM_182746.3(MCM4):c.1334G>A (p.Arg445His)

Gene: MCM4 (minichromosome maintenance complex component 4; plus strand). Cytogenetic location: 8q11.21.
Variant type: single nucleotide variant.
Coding change: c.1334G>A on transcript NM_182746.3 (MANE Select); coding-DNA position 1334, G replaced by A.
Protein change: p.Arg445His; replaces arginine 445 with histidine.
Molecular consequence: missense variant.
Genome position (GRCh38, 1-based): chr8:47,969,957, G>A. VCF-style: chr8-47969957-G-A. GRCh37 (hg19) VCF-style: chr8-48882517-G-A.
Other names: c.1334G>A, p.Arg445His (NM_005914.4); short protein forms R445H.
Identifiers: ClinVar variation 2171879 (VCV002171879.3), dbSNP rs774001229, ClinGen allele CA4742593.

ClinVar aggregate classification (germline): Uncertain significance (1 of 4 stars; one submission).

Allele frequency attached by ClinVar (database versions not stated): gnomAD 0.00001; ExAC 0.00002; TOPMed 0.00002.
gnomAD v4.1: 20 of 1,614,096 alleles (0.0012%); highest among the groups gnomAD compares: East Asian, 0.0022%; no homozygotes.

Submission:

Labcorp Genetics (formerly Invitae), Labcorp
Classification: Uncertain significance. Last evaluated: 2022-06-25. Review status: criteria provided, single submitter. Criteria: Invitae Variant Classification Sherloc (09022015). Collection method: clinical testing. Allele origin: germline.
Comment: In summary, the available evidence is currently insufficient to determine the role of this variant in disease. Therefore, it has been classified as a Variant of Uncertain Significance. Algorithms developed to predict the effect of missense changes on protein structure and function output the following: SIFT: "Deleterious"; PolyPhen-2: "Probably Damaging"; Align-GVGD: "Class C0". The histidine amino acid residue is found in multiple mammalian species, which suggests that this missense change does not adversely affect protein function. This sequence change replaces arginine, which is basic and polar, with histidine, which is basic and polar, at codon 445 of the MCM4 protein (p.Arg445His). This variant is present in population databases (rs774001229, gnomAD 0.006%). This variant has not been reported in the literature in individuals affected with MCM4-related conditions.